The following is an entry in ClinVar:

ClinVar aggregate classification (germline): Likely pathogenic (0 of 4 stars; one submission).

Conditions:
Autosomal recessive limb-girdle muscular dystrophy type 2E (LGMDR4). Also called: MUSCULAR DYSTROPHY, LIMB-GIRDLE, AUTOSOMAL RECESSIVE 4. Identifiers: Orphanet 119, MedGen C1858593, MONDO:0011423, OMIM 604286. Disease mechanism: Affects gamma-sarcoglycan and also disrupts the integrity of the entire sarcoglycan complex..

Submission:

Department of Medical Genetics, National Institute of Health
Classification: Likely pathogenic for Autosomal recessive limb-girdle muscular dystrophy type 2E. Last evaluated: 2022-06-14. Review status: no assertion criteria provided. Collection method: clinical testing. Allele origin: germline. Inheritance: Autosomal recessive inheritance. Affected: yes. Observed: 1 homozygote.
Comment: Electromyography (EMG) showed a myogenic pattern in muscles of upper and lower limbs. NGS sequencing identified a novel variant: NM_000232.5(SGCB):c.917_919delGCT. This variant has not been previously reported in databases and it is classified as likely pathogenic on American College of Medical Genetics and Genomics (ACMG) according to these criteria: PM2, PM4, PP3.

NM_000232.5(SGCB):c.919_921del (p.Cys307del)

Gene: SGCB (sarcoglycan beta; minus strand). Cytogenetic location: 4q12.
Variant type: Deletion.
Coding change: c.919_921del on transcript NM_000232.5 (MANE Select); coding-DNA positions 919 to 921, 3 bases deleted (TGC; older notation c.919_921delTGC).
Protein change: p.Cys307del; deletes cysteine 307.
Molecular consequence: inframe deletion.
Genome position (GRCh38, 1-based): chr4:52,023,993-52,023,995, GCA deleted on the plus strand (TGC on the coding strand, the reverse complement: SGCB is on the minus strand); deleting any 3 consecutive bases within chr4:52,023,993-52,023,997 gives the same sequence; the c. name uses the placement nearest the transcript's 3' end. VCF-style (leftmost placement, unchanged base first): chr4-52023992-GGCA-G. GRCh37 (hg19) VCF-style: chr4-52890158-GGCA-G.
Other names: c.917_919delGCT (NM_000232.5); short protein forms C307del.
Identifiers: ClinVar variation 1691505 (VCV001691505.2), dbSNP rs2475212208, ClinGen allele CA2580071058.